The following is an entry in ClinVar:

ClinVar aggregate classification (germline): Uncertain significance (1 of 4 stars; one submission).

Conditions:
Primary ciliary dyskinesia. Also called: Ciliary dyskinesia. Identifiers: Orphanet 244, MedGen C0008780, MONDO:0016575, HP:0012265.

Submission:

Department of Human Genetics, Hannover Medical School
Classification: Uncertain significance for Primary Ciliary Dyskinesia. Last evaluated: 2026-04-01. Review status: criteria provided, single submitter. Criteria: ACMG Guidelines, 2015. Collection method: research. Allele origin: germline. Affected: no.
Comment: Classification performed by HerediClassify using the following criteria:['PM2_supporting: Variant occures does not occur as homozygous in gnomAD.', 'PVS1_protein_strong: Transcript ENST00000295759 is not predicted to undergo NMD. Protein length change of 0.9525993883792049 observed.']

NM_001286423.2(GLB1L):c.61_62insCT (p.Leu21fs)

Gene: GLB1L (galactosidase beta 1 like; minus strand). Cytogenetic location: 2q35.
Variant type: Insertion.
Coding change: c.61_62insCT on transcript NM_001286423.2 (MANE Select); coding-DNA positions 61 to 62, CT inserted.
Protein change: p.Leu21fs; shifts the reading frame from leucine 21.
Molecular consequence: frameshift variant.
Genome position: GRCh38 VCF-style: chr2-219243512-A-AAG. GRCh37 (hg19) VCF-style: chr2-220108234-A-AAG.
Other names: c.61_62insCT, p.Leu21fs (NM_001286427.1, NM_024506.5); short protein forms L21fs.
Identifiers: ClinVar variation 4880088 (VCV004880088.1).